The following is an entry in ClinVar:

ClinVar aggregate classification (germline): Uncertain significance. Review status: criteria provided, multiple submitters, no conflicts (2 of 4 stars). 3 submissions from 3 submitters: Uncertain significance (3). Last evaluated 2026-05-23.

Conditions:
Arrhythmogenic cardiomyopathy with wooly hair and keratoderma. Also called: PALMOPLANTAR KERATODERMA WITH LEFT VENTRICULAR CARDIOMYOPATHY AND WOOLLY HAIR; Carvajal syndrome; Dilated cardiomyopathy with woolly hair and keratoderma; Arrhythmogenic cardiomyopathy with woolly hair and keratoderma. Identifiers: Orphanet 65282, MedGen C1854063, MONDO:0011581, OMIM 605676.
Arrhythmogenic right ventricular dysplasia 8 (ARVD8). Also called: Arrhythmogenic Right Ventricular Dysplasia/Cardiomyopathy 8; ARRHYTHMOGENIC RIGHT VENTRICULAR DYSPLASIA, FAMILIAL, 8; ARRHYTHMOGENIC RIGHT VENTRICULAR CARDIOMYOPATHY 8. Identifiers: MedGen C1843896, MONDO:0011831, OMIM 607450.
Cardiovascular phenotype. Identifiers: MedGen CN230736.

gnomAD v4.1: 1 of 1,614,134 alleles (0.000062%); highest among the groups gnomAD compares: Non-Finnish European, 0.000085%; no homozygotes.

Submissions (3):

Ambry Genetics
Classification: Uncertain significance for Cardiovascular phenotype. Last evaluated: 2026-05-23. Review status: criteria provided, single submitter. Criteria: Ambry Variant Classification Scheme 2023. Collection method: clinical testing. Allele origin: germline.

Labcorp Genetics (formerly Invitae), Labcorp
Classification: Uncertain significance for Arrhythmogenic cardiomyopathy with wooly hair and keratoderma; Arrhythmogenic right ventricular dysplasia 8. Last evaluated: 2026-01-19. Review status: criteria provided, single submitter. Criteria: Invitae Variant Classification Sherloc (09022015). Collection method: clinical testing. Allele origin: germline.
Comment: This sequence change replaces lysine, which is basic and polar, with threonine, which is neutral and polar, at codon 1892 of the DSP protein (p.Lys1892Thr). This variant is not present in population databases (gnomAD no frequency). This variant has not been reported in the literature in individuals affected with DSP-related conditions. ClinVar contains an entry for this variant (Variation ID: 3072930). An algorithm developed to predict the effect of missense changes on protein structure and function (PolyPhen-2) suggests that this variant is likely to be disruptive. In summary, the available evidence is currently insufficient to determine the role of this variant in disease. Therefore, it has been classified as a Variant of Uncertain Significance.

All of Us Research Program, National Institutes of Health
Classification: Uncertain significance for Arrhythmogenic cardiomyopathy with wooly hair and keratoderma. Last evaluated: 2023-08-15. Review status: criteria provided, single submitter. Criteria: ACMG Guidelines, 2015. Collection method: clinical testing. Allele origin: germline. Inheritance: Autosomal dominant inheritance. Observed: 1 variant allele, 1 heterozygote.
Comment: This missense variant replaces lysine with threonine at codon 1892 of the DSP protein. Computational prediction suggests that this variant may not impact protein structure and function (internally defined REVEL score threshold <= 0.5, PMID: 27666373). To our knowledge, functional studies have not been reported for this variant. This variant has not been reported in individuals affected with DSP-related disorders in the literature. This variant has not been identified in the general population by the Genome Aggregation Database (gnomAD). The available evidence is insufficient to determine the role of this variant in disease conclusively. Therefore, this variant is classified as a Variant of Uncertain Significance.

This study involves interpretation of variants in research participants for the purpose of population health screening. Participant phenotype was not available at the time of variant classification. Additional details can be found in publication PMID: 35346344, PMCID: PMC8962531

NM_004415.4(DSP):c.5675A>C (p.Lys1892Thr)

Gene: DSP (desmoplakin; plus strand). Cytogenetic location: 6p24.3.
Variant type: single nucleotide variant.
Coding change: c.5675A>C on transcript NM_004415.4 (MANE Select); coding-DNA position 5675, A replaced by C.
Protein change: p.Lys1892Thr; replaces lysine 1892 with threonine.
Molecular consequence: missense variant.
Genome position (GRCh38, 1-based): chr6:7,582,937, A>C. VCF-style: chr6-7582937-A-C. GRCh37 (hg19) VCF-style: chr6-7583170-A-C.
Other names: c.3878A>C, p.Lys1293Thr (NM_001008844.3); c.4346A>C, p.Lys1449Thr (NM_001319034.2); short protein forms K1293T, K1449T, K1892T.
Identifiers: ClinVar variation 3072930 (VCV003072930.3), dbSNP rs1286236263, ClinGen allele CA362689159.